The following is an entry in ClinVar:

NM_152296.5(ATP1A3):c.2676C>T (p.Tyr892=)

Gene: ATP1A3 (ATPase Na+/K+ transporting subunit alpha 3; minus strand). Cytogenetic location: 19q13.2.
Variant type: single nucleotide variant.
Coding change: c.2676C>T on transcript NM_152296.5 (MANE Select); coding-DNA position 2676, C replaced by T.
Protein change: p.Tyr892=; no amino-acid change (tyrosine 892 retained).
Molecular consequence: synonymous variant.
Genome position (GRCh38, 1-based): chr19:41,969,447, G>A on the plus strand (C>T on the coding strand, the complement: ATP1A3 is on the minus strand). VCF-style: chr19-41969447-G-A. GRCh37 (hg19) VCF-style: chr19-42473599-G-A.
Other names: c.2709C>T, p.Tyr903= (NM_001256213.2); c.2715C>T, p.Tyr905= (NM_001256214.2); c.2715C>T (NM_001256214.1).
Identifiers: ClinVar variation 1187271 (VCV001187271.12), dbSNP rs782625641, ClinGen allele CA9467328.
Genomic context (GRCh38, chr19:41,969,447, plus strand): 5'-CCCGGGGATCTTACGGTGGGCAGAGACACAGCACCCTGCCCTACTCACCCACTGCTGCCC[G>A]TAACTGTCTTCCAGGTCATTGACGGTGCGGTCATCCCAGTTCAGCCGGATGCCCACCAGG-3'
Protein context (NP_689509.1, residues 882-902): DRTVNDLEDS[Tyr892=]GQQWTYEQRK

ClinVar aggregate classification (germline): Likely benign. Review status: criteria provided, multiple submitters, no conflicts (2 of 4 stars). 3 submissions from 3 submitters: Likely benign (2). 1 of the submissions does not count toward it. Last evaluated 2025-09-10.

Conditions:
Dystonia 12 (DYT12). Also called: Rapid-Onset Dystonia-Parkinsonism (RDP); DYT-ATP1A3. Identifiers: Orphanet 71517, MedGen C1868681, MONDO:0007496, OMIM 128235.
ATP1A3-related disorder. Also called: ATP1A3-related condition; ATP1A3-related disorders. Identifiers: MedGen CN381097.

Allele frequency attached by ClinVar (database versions not stated): TOPMed 0.00001; ExAC 0.00002; gnomAD 0.00002; gnomAD exomes 0.00002 and 0.00004.
gnomAD v4.1: 28 of 1,614,080 alleles (0.0017%); highest among the groups gnomAD compares: East Asian, 0.0067%; no homozygotes.

Submissions (3):

Labcorp Genetics (formerly Invitae), Labcorp
Classification: Likely benign for Dystonia 12. Last evaluated: 2025-09-10. Review status: criteria provided, single submitter. Criteria: Invitae Variant Classification Sherloc (09022015). Collection method: clinical testing. Allele origin: germline.

GeneDx
Classification: Likely benign. Last evaluated: 2018-12-04. Review status: criteria provided, single submitter. Criteria: GeneDx Variant Classification Process June 2021. Collection method: clinical testing. Allele origin: germline. Affected: yes.

PreventionGenetics, part of Exact Sciences
Classification: Likely benign for ATP1A3-related condition. Last evaluated: 2020-05-21. Review status: no assertion criteria provided. Collection method: clinical testing. Allele origin: germline. Not counted in ClinVar's aggregate classification.
Comment: This variant is classified as likely benign based on ACMG/AMP sequence variant interpretation guidelines (Richards et al. 2015 PMID: 25741868, with internal and published modifications).